The following is an entry in ClinVar:

NM_004991.4(MECOM):c.2313G>C (p.Gln771His)

Gene: MECOM (MDS1 and EVI1 complex locus; minus strand). Cytogenetic location: 3q26.2.
Variant type: single nucleotide variant.
Coding change: c.2313G>C on transcript NM_004991.4 (MANE Select); coding-DNA position 2313, G replaced by C.
Protein change: p.Gln771His; replaces glutamine 771 with histidine.
Molecular consequence: missense variant.
Genome position (GRCh38, 1-based): chr3:169,115,559, C>G on the plus strand (G>C on the coding strand, the complement: MECOM is on the minus strand). VCF-style: chr3-169115559-C-G. GRCh37 (hg19) VCF-style: chr3-168833347-C-G.
Other names: c.1944G>C, p.Gln648His (NM_001105077.4); c.1749G>C, p.Gln583His (NM_001105078.4, NM_001164000.2, NM_001205194.2 and 4 more transcripts); c.1752G>C, p.Gln584His (NM_001163999.2, NM_001366467.2, NM_001366468.2 and 1 more transcripts); c.2313G>C, p.Gln771His (NM_001366466.2); c.1341G>C, p.Gln447His (NM_001366473.2); c.777G>C, p.Gln259His (NM_001366474.2); short protein forms Q648H, Q771H, Q447H, Q584H, Q259H, Q583H.
Identifiers: ClinVar variation 3871608 (VCV003871608.1).

ClinVar aggregate classification (germline): Uncertain significance (1 of 4 stars; one submission).

Conditions:
Inborn genetic diseases. Identifiers: MedGen C0950123, MeSH D030342.

gnomAD v4.1: 1 of 1,614,088 alleles (0.000062%); highest among the groups gnomAD compares: South Asian, 0.0011%; no homozygotes.

Submission:

Ambry Genetics
Classification: Uncertain significance for Inborn genetic diseases. Last evaluated: 2024-12-15. Review status: criteria provided, single submitter. Criteria: Ambry Variant Classification Scheme 2023. Collection method: clinical testing. Allele origin: germline.
Comment: The p.Q771H variant (also known as c.2313G>C), located in coding exon 8 of the MECOM gene, results from a G to C substitution at nucleotide position 2313. The glutamine at codon 771 is replaced by histidine, an amino acid with highly similar properties. This amino acid position is conserved. In addition, this alteration is predicted to be tolerated by in silico analysis. Based on the available evidence, the clinical significance of this variant remains unclear.